The following is an entry in ClinVar:

NM_001130438.3(SPTAN1):c.485T>G (p.Met162Arg)

Gene: SPTAN1 (spectrin alpha, non-erythrocytic 1; plus strand). Cytogenetic location: 9q34.11.
Variant type: single nucleotide variant.
Coding change: c.485T>G on transcript NM_001130438.3 (MANE Select); coding-DNA position 485, T replaced by G.
Protein change: p.Met162Arg; replaces methionine 162 with arginine.
Molecular consequence: missense variant.
Genome position (GRCh38, 1-based): chr9:128,574,796, T>G. VCF-style: chr9-128574796-T-G. GRCh37 (hg19) VCF-style: chr9-131337075-T-G.
Other names: c.485T>G, p.Met162Arg (NM_001195532.2, NM_001363759.2, NM_001363765.2 and 10 more transcripts); c.521T>G, p.Met174Arg (NM_001375312.2, NM_001375318.1, NM_001438440.1); short protein forms M162R, M174R.
Identifiers: ClinVar variation 4689964 (VCV004689964.1).
Genomic context (GRCh38, chr9:128,574,796, plus strand): 5'-GAATCAAACTGCTGCAGGCCCAGAAGTTGGTGCAGTACTTACGAGAATGTGAGGACGTGA[T>G]GGACTGGATCAATGACAAGGCACGTTTTGGGAAGAAGGGTTTGCTAAGCTTTACTCAAAG-3'
Protein context (NP_001123910.1, residues 152-172): VQYLRECEDV[Met162Arg]DWINDKEAIV

ClinVar aggregate classification (germline): Uncertain significance (1 of 4 stars; one submission).

Submission:

GeneDx
Classification: Uncertain significance. Last evaluated: 2025-07-31. Review status: criteria provided, single submitter. Criteria: GeneDx Variant Classification Process June 2021. Collection method: clinical testing. Allele origin: germline. Affected: yes.
Comment: Not observed at significant frequency in large population cohorts (gnomAD); In silico analysis supports that this missense variant has a deleterious effect on protein structure/function; Has not been previously published as pathogenic or benign to our knowledge